The following is an entry in ClinVar:

ClinVar aggregate classification (germline): Conflicting classifications of pathogenicity. Review status: criteria provided, conflicting classifications (1 of 4 stars). 5 submissions from 5 submitters: Uncertain significance (4); Likely benign (1). Last evaluated 2026-01-08.

Conditions:
Fanconi anemia complementation group N. Also called: PALB2-Related Fanconi Anemia. Identifiers: Orphanet 84, MedGen C1835817, MONDO:0012565, OMIM 610832. Disease mechanism: loss of function.
Pancreatic cancer, susceptibility to, 3. Identifiers: Orphanet 1333, MedGen C3150547, MONDO:0013236, OMIM 613348.
Breast-ovarian cancer, familial, susceptibility to, 5 (BROVCA5). Identifiers: MedGen C5830615, MONDO:0957530, OMIM 620442.
Hereditary cancer-predisposing syndrome. Also called: Tumor predisposition; Hereditary neoplastic syndrome; Neoplastic Syndromes, Hereditary; Hereditary Cancer Syndrome. Identifiers: Orphanet 140162, MedGen C0027672, MeSH D009386, MONDO:0015356.
Familial cancer of breast. Also called: hereditary breast carcinoma; Hereditary breast cancer; BREAST CANCER, FAMILIAL. Identifiers: Orphanet 227535, MedGen C0346153, MONDO:0016419, OMIM 114480. Disease mechanism: loss of function.

Submissions (5):

Labcorp Genetics (formerly Invitae), Labcorp
Classification: Uncertain significance for Familial cancer of breast. Last evaluated: 2026-01-08. Review status: criteria provided, single submitter. Criteria: Invitae Variant Classification Sherloc (09022015). Collection method: clinical testing. Allele origin: germline.
Comment: This sequence change replaces serine, which is neutral and polar, with isoleucine, which is neutral and non-polar, at codon 133 of the PALB2 protein (p.Ser133Ile). This variant is not present in population databases (gnomAD no frequency). This variant has not been reported in the literature in individuals affected with PALB2-related conditions. ClinVar contains an entry for this variant (Variation ID: 220173). An algorithm developed to predict the effect of missense changes on protein structure and function outputs the following: PolyPhen-2: "Possibly Damaging". The isoleucine amino acid residue is found in multiple mammalian species, which suggests that this missense change does not adversely affect protein function. In summary, the available evidence is currently insufficient to determine the role of this variant in disease. Therefore, it has been classified as a Variant of Uncertain Significance.

Ambry Genetics
Classification: Likely benign for Hereditary cancer-predisposing syndrome. Last evaluated: 2024-03-27. Review status: criteria provided, single submitter. Criteria: Ambry Variant Classification Scheme 2023. Collection method: clinical testing. Allele origin: germline.

Fulgent Genetics
Classification: Uncertain significance for Fanconi anemia complementation group N; Pancreatic cancer, susceptibility to, 3; Breast-ovarian cancer, familial, susceptibility to, 5. Last evaluated: 2024-02-24. Review status: criteria provided, single submitter. Criteria: ACMG Guidelines, 2015. Collection method: clinical testing. Allele origin: germline.

Color Diagnostics, LLC DBA Color Health
Classification: Uncertain significance for Hereditary cancer-predisposing syndrome. Last evaluated: 2023-12-05. Review status: criteria provided, single submitter. Criteria: ACMG Guidelines, 2015. Collection method: clinical testing. Allele origin: germline.
Comment: This missense variant replaces serine with isoleucine at codon 133 of the PALB2 protein. Computational prediction tools and conservation analyses are inconclusive regarding the impact of this variant on the protein function. Computational splicing tools suggest that this variant may not impact RNA splicing. To our knowledge, functional assays have not been performed for this variant nor has this variant been reported in individuals affected with hereditary cancer in the literature. This variant has not been identified in the general population by the Genome Aggregation Database (gnomAD). Available evidence is insufficient to determine the role of this variant in disease conclusively. Therefore, this variant is classified as a Variant of Uncertain Significance.

Department of Pathology and Laboratory Medicine, Sinai Health System
Classification: Uncertain significance for Pancreatic cancer, susceptibility to, 3. Last evaluated: 2021-07-27. Review status: criteria provided, single submitter. Criteria: ACMG Guidelines, 2015. Collection method: clinical testing. Allele origin: germline. Affected: yes.

NM_024675.4(PALB2):c.398G>T (p.Ser133Ile)

Gene: PALB2 (partner and localizer of BRCA2; minus strand). Cytogenetic location: 16p12.2.
Variant type: single nucleotide variant.
Coding change: c.398G>T on transcript NM_024675.4 (MANE Select); coding-DNA position 398, G replaced by T.
Protein change: p.Ser133Ile; replaces serine 133 with isoleucine.
Molecular consequence: missense variant.
Genome position (GRCh38, 1-based): chr16:23,636,148, C>A on the plus strand (G>T on the coding strand, the complement: PALB2 is on the minus strand). VCF-style: chr16-23636148-C-A. GRCh37 (hg19) VCF-style: chr16-23647469-C-A.
Other names: short protein forms S133I.
Identifiers: ClinVar variation 220173 (VCV000220173.22), dbSNP rs864622411, ClinGen allele CA348953.